The following is an entry in ClinVar:

ClinVar aggregate classification (germline): Uncertain significance (1 of 4 stars; one submission).

Conditions:
Charcot-Marie-Tooth disease axonal type 2V. Also called: CHARCOT-MARIE-TOOTH NEUROPATHY, TYPE 2V; CHARCOT-MARIE-TOOTH DISEASE, AXONAL, AUTOSOMAL DOMINANT, TYPE 2V. Identifiers: Orphanet 447964, MedGen C5569050, MONDO:0014665, OMIM 616491.
Mucopolysaccharidosis, MPS-III-B (MPS3B). Also called: N-ACETYL-ALPHA-D-GLUCOSAMINIDASE DEFICIENCY; NAGLU DEFICIENCY; SANFILIPPO SYNDROME B; MPS III B; MUCOPOLYSACCHARIDOSIS, TYPE IIIB; MPS IIIB (Sanfilippo Syndrome Type B). Identifiers: Orphanet 79270, MedGen C0086648, MONDO:0009656, OMIM 252920.

gnomAD v4.1: 1 of 1,614,128 alleles (0.000062%); highest among the groups gnomAD compares: Non-Finnish European, 0.000085%; no homozygotes.

Submission:

Labcorp Genetics (formerly Invitae), Labcorp
Classification: Uncertain significance for Charcot-Marie-Tooth disease axonal type 2V; Mucopolysaccharidosis, MPS-III-B. Last evaluated: 2022-02-25. Review status: criteria provided, single submitter. Criteria: Invitae Variant Classification Sherloc (09022015). Collection method: clinical testing. Allele origin: germline.
Comment: This sequence change replaces arginine, which is basic and polar, with proline, which is neutral and non-polar, at codon 149 of the NAGLU protein (p.Arg149Pro). This variant is not present in population databases (gnomAD no frequency). This variant has not been reported in the literature in individuals affected with NAGLU-related conditions. Advanced modeling of protein sequence and biophysical properties (such as structural, functional, and spatial information, amino acid conservation, physicochemical variation, residue mobility, and thermodynamic stability) performed at Invitae indicates that this missense variant is expected to disrupt NAGLU protein function. In summary, the available evidence is currently insufficient to determine the role of this variant in disease. Therefore, it has been classified as a Variant of Uncertain Significance.

NM_000263.4(NAGLU):c.446G>C (p.Arg149Pro)

Gene: NAGLU (N-acetyl-alpha-glucosaminidase; plus strand). Cytogenetic location: 17q21.2.
Variant type: single nucleotide variant.
Coding change: c.446G>C on transcript NM_000263.4 (MANE Select); coding-DNA position 446, G replaced by C.
Protein change: p.Arg149Pro; replaces arginine 149 with proline.
Molecular consequence: missense variant.
Genome position (GRCh38, 1-based): chr17:42,537,460, G>C. VCF-style: chr17-42537460-G-C. GRCh37 (hg19) VCF-style: chr17-40689478-G-C.
Other names: short protein forms R149P.
Identifiers: ClinVar variation 2103352 (VCV002103352.1), dbSNP rs1489785243, ClinGen allele CA399598124.
Genomic context (GRCh38, chr17:42,537,460, plus strand): 5'-ACCGCTATTACCAGAATGTGTGCACGCAAAGCTACTCTTTCGTGTGGTGGGACTGGGCCC[G>C]CTGGGAGCGAGAGATAGACTGGATGGCGCTGAATGGCATCAACCTGGCACTGGCCTGGAG-3'
Protein context (NP_000254.2, residues 139-159): SYSFVWWDWA[Arg149Pro]WEREIDWMAL